The following is an entry in ClinVar:

ClinVar aggregate classification (germline): Uncertain significance (1 of 4 stars; one submission).

Conditions:
Majeed syndrome (MJDS). Also called: LPIN2-Related Majeed Syndrome; CHRONIC RECURRENT MULTIFOCAL OSTEOMYELITIS 1, WITH CONGENITAL DYSERYTHROPOIETIC ANEMIA, WITH OR WITHOUT NEUTROPHILIC DERMATOSIS. Identifiers: Orphanet 77297, MedGen C1864997, MONDO:0012316, OMIM 609628.

Submission:

Labcorp Genetics (formerly Invitae), Labcorp
Classification: Uncertain significance for Majeed syndrome. Last evaluated: 2024-10-07. Review status: criteria provided, single submitter. Criteria: Invitae Variant Classification Sherloc (09022015). Collection method: clinical testing. Allele origin: germline.
Comment: This sequence change affects codon 571 of the LPIN2 mRNA. It is a 'silent' change, meaning that it does not change the encoded amino acid sequence of the LPIN2 protein. It affects a nucleotide within the consensus splice site. This variant is not present in population databases (gnomAD no frequency). This variant has not been reported in the literature in individuals affected with LPIN2-related conditions. ClinVar contains an entry for this variant (Variation ID: 854609). Algorithms developed to predict the effect of sequence changes on RNA splicing suggest that this variant is not likely to affect RNA splicing. In summary, the available evidence is currently insufficient to determine the role of this variant in disease. Therefore, it has been classified as a Variant of Uncertain Significance.

NM_001375808.2(LPIN2):c.1711C>T (p.Leu571=)

Gene: LPIN2 (lipin 2; minus strand). Cytogenetic location: 18p11.31.
Variant type: single nucleotide variant.
Coding change: c.1711C>T on transcript NM_001375808.2 (MANE Select); coding-DNA position 1711, C replaced by T.
Protein change: p.Leu571=; no amino-acid change (leucine 571 retained).
Molecular consequence: synonymous variant.
Genome position (GRCh38, 1-based): chr18:2,926,805, G>A on the plus strand (C>T on the coding strand, the complement: LPIN2 is on the minus strand). VCF-style: chr18-2926805-G-A. GRCh37 (hg19) VCF-style: chr18-2926803-G-A.
Other names: c.1711C>T, p.Leu571= (NM_001375809.1, NM_014646.2).
Identifiers: ClinVar variation 854609 (VCV000854609.10), dbSNP rs151293770, ClinGen allele CA502681177.
Genomic context (GRCh38, chr18:2,926,805, plus strand): 5'-AGCTGGATGGCAGGTCACTGGCTGGCGGTGCCTCAGATTTTCCCTCCTTGGATTCTGGCA[G>A]CTGTAACAGCAAGATGATAATGGCAACATGCAATTTTTTCCCTACAGATAAGCCAAGTTC-3'
Protein context (NP_001362737.1, residues 561-581): WRKRESMTKQ[Leu571=]PESKEGKSEA